The following is an entry in ClinVar:

ClinVar aggregate classification (germline): Uncertain significance. Review status: criteria provided, multiple submitters, no conflicts (2 of 4 stars). 3 submissions from 3 submitters: Uncertain significance (3). Last evaluated 2024-09-18.

Conditions:
Familial adenomatous polyposis 1 (FAP1). Also called: FAMILIAL ADENOMATOUS POLYPOSIS 1, ATTENUATED; POLYPOSIS, ADENOMATOUS INTESTINAL. Identifiers: MedGen C2713442, MONDO:0021056, OMIM 175100. Disease mechanism: loss of function.
Hereditary cancer-predisposing syndrome. Also called: Neoplastic Syndromes, Hereditary; Tumor predisposition; Hereditary Cancer Syndrome; Hereditary neoplastic syndrome. Identifiers: Orphanet 140162, MedGen C0027672, MeSH D009386, MONDO:0015356.

Submissions (3):

Labcorp Genetics (formerly Invitae), Labcorp
Classification: Uncertain significance for Familial adenomatous polyposis 1. Last evaluated: 2024-09-18. Review status: criteria provided, single submitter. Criteria: Invitae Variant Classification Sherloc (09022015). Collection method: clinical testing. Allele origin: germline.
Comment: This sequence change replaces alanine, which is neutral and non-polar, with valine, which is neutral and non-polar, at codon 612 of the APC protein (p.Ala612Val). This variant is not present in population databases (gnomAD no frequency). This variant has not been reported in the literature in individuals affected with APC-related conditions. ClinVar contains an entry for this variant (Variation ID: 820149). Invitae Evidence Modeling of protein sequence and biophysical properties (such as structural, functional, and spatial information, amino acid conservation, physicochemical variation, residue mobility, and thermodynamic stability) indicates that this missense variant is not expected to disrupt APC protein function with a negative predictive value of 95%. In summary, the available evidence is currently insufficient to determine the role of this variant in disease. Therefore, it has been classified as a Variant of Uncertain Significance.

Ambry Genetics
Classification: Uncertain significance for Hereditary cancer-predisposing syndrome. Last evaluated: 2024-01-11. Review status: criteria provided, single submitter. Criteria: Ambry Variant Classification Scheme 2023. Collection method: clinical testing. Allele origin: germline.
Comment: The p.A612V variant (also known as c.1835C>T), located in coding exon 14 of the APC gene, results from a C to T substitution at nucleotide position 1835. The alanine at codon 612 is replaced by valine, an amino acid with similar properties. This amino acid position is highly conserved in available vertebrate species. In addition, in silico predictors for this gene do not accurately predict pathogenicity. Since supporting evidence is limited at this time, the clinical significance of this alteration remains unclear.

Baylor Genetics
Classification: Uncertain significance for Familial adenomatous polyposis 1. Last evaluated: 2023-06-25. Review status: criteria provided, single submitter. Criteria: ACMG Guidelines, 2015. Collection method: clinical testing. Allele origin: unknown.

NM_000038.6(APC):c.1835C>T (p.Ala612Val)

Gene: APC (APC regulator of Wnt signaling pathway; plus strand). Cytogenetic location: 5q22.2.
Variant type: single nucleotide variant.
Coding change: c.1835C>T on transcript NM_000038.6 (MANE Select); coding-DNA position 1835, C replaced by T.
Protein change: p.Ala612Val; replaces alanine 612 with valine.
Molecular consequence: missense variant.
Genome position (GRCh38, 1-based): chr5:112,835,042, C>T. VCF-style: chr5-112835042-C-T. GRCh37 (hg19) VCF-style: chr5-112170739-C-T.
Other names: c.1835C>T, p.Ala612Val (NM_001127510.3, NM_001354895.2); c.1781C>T, p.Ala594Val (NM_001127511.3); c.1889C>T, p.Ala630Val (NM_001354896.2); c.1865C>T, p.Ala622Val (NM_001354897.2); c.1760C>T, p.Ala587Val (NM_001354898.2); c.1751C>T, p.Ala584Val (NM_001354899.2); c.1712C>T, p.Ala571Val (NM_001354900.2); c.1658C>T, p.Ala553Val (NM_001354901.2); and 5 more; short protein forms A452V, A594V, A612V, A630V, A329V, A486V, A553V, A571V.
Identifiers: ClinVar variation 820149 (VCV000820149.7), dbSNP rs1580603927, ClinGen allele CA16025338.